The following is an entry in ClinVar:

NM_001128840.3(CACNA1D):c.6070T>C (p.Trp2024Arg)

Gene: CACNA1D (calcium voltage-gated channel subunit alpha1 D; plus strand). Cytogenetic location: 3p21.1.
Variant type: single nucleotide variant.
Coding change: c.6070T>C on transcript NM_001128840.3 (MANE Select); coding-DNA position 6070, T replaced by C.
Protein change: p.Trp2024Arg; replaces tryptophan 2024 with arginine.
Molecular consequence: missense variant.
Genome position (GRCh38, 1-based): chr3:53,810,176, T>C. VCF-style: chr3-53810176-T-C. GRCh37 (hg19) VCF-style: chr3-53844203-T-C.
Other names: c.6130T>C, p.Trp2044Arg (NM_000720.4); c.5998T>C, p.Trp2000Arg (NM_001128839.3); short protein forms W2000R, W2024R, W2044R.
Identifiers: ClinVar variation 3359712 (VCV003359712.1).

ClinVar aggregate classification (germline): Uncertain significance (1 of 4 stars; one submission).

Submission:

GeneDx
Classification: Uncertain significance. Last evaluated: 2023-06-09. Review status: criteria provided, single submitter. Criteria: GeneDx Variant Classification Process June 2021. Collection method: clinical testing. Allele origin: germline. Affected: yes.
Comment: Not observed at significant frequency in large population cohorts (gnomAD); In silico analysis supports that this missense variant has a deleterious effect on protein structure/function; Has not been previously published as pathogenic or benign to our knowledge